The following is an entry in ClinVar:

ClinVar aggregate classification (germline): Benign/Likely benign. Review status: criteria provided, multiple submitters, no conflicts (2 of 4 stars). 2 submissions from 2 submitters: Benign (1); Likely benign (1). Last evaluated 2023-01-25.

Allele frequency attached by ClinVar (database versions not stated): TOPMed 0.00002; gnomAD exomes 0.00003 and 0.00004; ExAC 0.00001; gnomAD 0.00001.
gnomAD v4.1: 43 of 1,612,714 alleles (0.0027%); highest among the groups gnomAD compares: Non-Finnish European, 0.00068%; no homozygotes.

Submissions (2):

Blueprint Genetics
Classification: Likely benign. Last evaluated: 2023-01-25. Review status: criteria provided, single submitter. Criteria: ACMG Guidelines, 2015. Collection method: clinical testing. Allele origin: germline.

GeneDx
Classification: Benign. Last evaluated: 2014-12-15. Review status: criteria provided, single submitter. Criteria: GeneDx Variant Classification (06012015). Collection method: clinical testing. Allele origin: germline. Affected: yes.
Comment: This variant is considered likely benign or benign based on one or more of the following criteria: it is a conservative change, it occurs at a poorly conserved position in the protein, it is predicted to be benign by multiple in silico algorithms, and/or has population frequency not consistent with disease.

NM_001127644.2(GABRA1):c.1060-15T>C

Gene: GABRA1 (gamma-aminobutyric acid type A receptor subunit alpha1; plus strand). Cytogenetic location: 5q34.
Variant type: single nucleotide variant.
Coding change: c.1060-15T>C on transcript NM_001127644.2 (MANE Select); 15 bases into the intron before coding-DNA position 1060, T replaced by C.
Molecular consequence: intron variant.
Genome position (GRCh38, 1-based): chr5:161,897,096, T>C. VCF-style: chr5-161897096-T-C. GRCh37 (hg19) VCF-style: chr5-161324102-T-C.
Other names: c.1060-15T>C (NM_000806.5, NM_001127643.2, NM_001127645.2 and 1 more transcripts).
Identifiers: ClinVar variation 205516 (VCV000205516.2), dbSNP rs773638322, ClinGen allele CA314663.
Genomic context (GRCh38, chr5:161,897,096, plus strand): 5'-CCACCTTGCTCAGCAACTTATAATTTTGCTTCTCACTGTTTACTAAACAAAATGCATTGC[T>C]CTTTCTTTCTACAGCCAAAGAAAGTAAAGGATCCTCTTATTAAGAAAAACAACACTTACG-3'